The following is an entry in ClinVar:

NM_001378120.1(MBD5):c.5140C>A (p.Gln1714Lys)

Gene: MBD5 (methyl-CpG binding domain protein 5; plus strand). Cytogenetic location: 2q23.1.
Variant type: single nucleotide variant.
Coding change: c.5140C>A on transcript NM_001378120.1 (MANE Select); coding-DNA position 5140, C replaced by A.
Protein change: p.Gln1714Lys; replaces glutamine 1714 with lysine.
Molecular consequence: missense variant.
Genome position (GRCh38, 1-based): chr2:148,512,897, C>A. VCF-style: chr2-148512897-C-A. GRCh37 (hg19) VCF-style: chr2-149270466-C-A.
Other names: c.4441C>A (NM_018328.4); c.4441C>A, p.Gln1481Lys (NM_018328.5); short protein forms Q1714K, Q1481K.
Identifiers: ClinVar variation 1994981 (VCV001994981.5), dbSNP rs2470193232, ClinGen allele CA348859389.

ClinVar aggregate classification (germline): Uncertain significance. Review status: criteria provided, multiple submitters, no conflicts (2 of 4 stars). 2 submissions from 2 submitters: Uncertain significance (2). Last evaluated 2025-03-20.

Conditions:
Intellectual developmental disorder, autosomal dominant 1. Also called: MBD5 Haploinsufficiency; Intellectual disability, autosomal dominant 1. Identifiers: Orphanet 228402, MedGen C1969562, MONDO:0007974, OMIM 156200.

Allele frequency attached by ClinVar (database versions not stated): gnomAD exomes below 0.00001.
gnomAD v4.1: 2 of 1,613,842 alleles (0.00012%); highest among the groups gnomAD compares: South Asian, 0.0011%; no homozygotes.

Submissions (2):

GeneDx
Classification: Uncertain significance. Last evaluated: 2025-03-20. Review status: criteria provided, single submitter. Criteria: GeneDx Variant Classification Process June 2021. Collection method: clinical testing. Allele origin: germline. Affected: yes.
Comment: Not observed at significant frequency in large population cohorts (gnomAD); In silico analysis indicates that this missense variant does not alter protein structure/function; Has not been previously published as pathogenic or benign to our knowledge

Labcorp Genetics (formerly Invitae), Labcorp
Classification: Uncertain significance for Intellectual developmental disorder, autosomal dominant 1. Last evaluated: 2022-05-15. Review status: criteria provided, single submitter. Criteria: Invitae Variant Classification Sherloc (09022015). Collection method: clinical testing. Allele origin: germline.
Comment: This variant has not been reported in the literature in individuals affected with MBD5-related conditions. In summary, the available evidence is currently insufficient to determine the role of this variant in disease. Therefore, it has been classified as a Variant of Uncertain Significance. Algorithms developed to predict the effect of missense changes on protein structure and function are either unavailable or do not agree on the potential impact of this missense change (SIFT: "Deleterious"; PolyPhen-2: "Not Available"; Align-GVGD: "Class C0"). This variant is not present in population databases (gnomAD no frequency). This sequence change replaces glutamine, which is neutral and polar, with lysine, which is basic and polar, at codon 1481 of the MBD5 protein (p.Gln1481Lys).